The following is an entry in ClinVar:

ClinVar aggregate classification (germline): Uncertain significance (1 of 4 stars; one submission).

Allele frequency attached by ClinVar (database versions not stated): TOPMed below 0.00001; gnomAD 0.00001.
gnomAD v4.1: 1 of 1,614,038 alleles (0.000062%); highest among the groups gnomAD compares: African/African-American, 0.0013%; no homozygotes.

Submission:

Labcorp Genetics (formerly Invitae), Labcorp
Classification: Uncertain significance. Last evaluated: 2024-05-21. Review status: criteria provided, single submitter. Criteria: Invitae Variant Classification Sherloc (09022015). Collection method: clinical testing. Allele origin: germline.
Comment: This sequence change replaces threonine, which is neutral and polar, with isoleucine, which is neutral and non-polar, at codon 395 of the FH protein (p.Thr395Ile). This variant is not present in population databases (gnomAD no frequency). This variant has not been reported in the literature in individuals affected with FH-related conditions. ClinVar contains an entry for this variant (Variation ID: 237108). Advanced modeling of protein sequence and biophysical properties (such as structural, functional, and spatial information, amino acid conservation, physicochemical variation, residue mobility, and thermodynamic stability) performed at Invitae indicates that this missense variant is expected to disrupt FH protein function with a positive predictive value of 95%. In summary, the available evidence is currently insufficient to determine the role of this variant in disease. Therefore, it has been classified as a Variant of Uncertain Significance.

NM_000143.4(FH):c.1184C>T (p.Thr395Ile)

Gene: FH (fumarate hydratase; minus strand). Cytogenetic location: 1q43.
Variant type: single nucleotide variant.
Coding change: c.1184C>T on transcript NM_000143.4 (MANE Select); coding-DNA position 1184, C replaced by T.
Protein change: p.Thr395Ile; replaces threonine 395 with isoleucine.
Molecular consequence: missense variant.
Genome position (GRCh38, 1-based): chr1:241,502,495, G>A on the plus strand (C>T on the coding strand, the complement: FH is on the minus strand). VCF-style: chr1-241502495-G-A. GRCh37 (hg19) VCF-style: chr1-241665795-G-A.
Other names: short protein forms T395I.
Identifiers: ClinVar variation 237108 (VCV000237108.9), dbSNP rs878853690, ClinGen allele CA10581782.
Genomic context (GRCh38, chr1:241,502,495, plus strand): 5'-AAGCTTACCATCATTGGCTTGAAAACATTCAACTCAAAATGTCCATTGCTGCCTCCGACA[G>A]TGACAGCAACATGGTTCCCCATGACTTGGGCTGCAACCATGGTCATTGCTTCACACTGAG-3'
Protein context (NP_000134.2, residues 385-405): AQVMGNHVAV[Thr395Ile]VGGSNGHFEL